The following is an entry in ClinVar:

NM_000540.3(RYR1):c.10775T>C (p.Ile3592Thr)

Gene: RYR1 (ryanodine receptor 1; plus strand). Cytogenetic location: 19q13.2.
Variant type: single nucleotide variant.
Coding change: c.10775T>C on transcript NM_000540.3 (MANE Select); coding-DNA position 10775, T replaced by C.
Protein change: p.Ile3592Thr; replaces isoleucine 3592 with threonine.
Molecular consequence: missense variant.
Genome position (GRCh38, 1-based): chr19:38,527,735, T>C. VCF-style: chr19-38527735-T-C. GRCh37 (hg19) VCF-style: chr19-39018375-T-C.
Other names: c.10760T>C, p.Ile3587Thr (NM_001042723.2); short protein forms I3592T, I3587T.
Identifiers: ClinVar variation 4736967 (VCV004736967.1).

ClinVar aggregate classification (germline): Uncertain significance (1 of 4 stars; one submission).

Conditions:
RYR1-related disorder. Also called: RYR1-related condition; RYR1-related disorders. Identifiers: MedGen CN239331.

Submission:

Labcorp Genetics (formerly Invitae), Labcorp
Classification: Uncertain significance for RYR1-related disorder. Last evaluated: 2025-12-01. Review status: criteria provided, single submitter. Criteria: Invitae Variant Classification Sherloc (09022015). Collection method: clinical testing. Allele origin: germline.
Comment: This sequence change replaces isoleucine, which is neutral and non-polar, with threonine, which is neutral and polar, at codon 3592 of the RYR1 protein (p.Ile3592Thr). This variant is not present in population databases (gnomAD no frequency). This variant has not been reported in the literature in individuals affected with RYR1-related conditions. Invitae Evidence Modeling of protein sequence and biophysical properties (such as structural, functional, and spatial information, amino acid conservation, physicochemical variation, residue mobility, and thermodynamic stability) indicates that this missense variant is not expected to disrupt RYR1 protein function with a negative predictive value of 80%. In summary, the available evidence is currently insufficient to determine the role of this variant in disease. Therefore, it has been classified as a Variant of Uncertain Significance.